The following is an entry in ClinVar:

NM_001035.3(RYR2):c.4780G>A (p.Val1594Ile)

Gene: RYR2 (ryanodine receptor 2; plus strand). Cytogenetic location: 1q43.
Variant type: single nucleotide variant.
Coding change: c.4780G>A on transcript NM_001035.3 (MANE Select); coding-DNA position 4780, G replaced by A.
Protein change: p.Val1594Ile; replaces valine 1594 with isoleucine.
Molecular consequence: missense variant.
Genome position (GRCh38, 1-based): chr1:237,610,858, G>A. VCF-style: chr1-237610858-G-A. GRCh37 (hg19) VCF-style: chr1-237774158-G-A.
Other names: p.V1594I:GTC>ATC; c.4780G>A, p.Val1594Ile (LRG_402t1); short protein forms V1594I.
Identifiers: ClinVar variation 201250 (VCV000201250.56), dbSNP rs794728737, ClinGen allele CA009693.

ClinVar aggregate classification (germline): Conflicting classifications of pathogenicity. Review status: criteria provided, conflicting classifications (1 of 4 stars). 4 submissions from 4 submitters: Uncertain significance (3); Likely benign (1). Last evaluated 2025-10-26.

Conditions:
Cardiomyopathy (CMYO). Also called: Cardiomyopathies. Identifiers: Orphanet 167848, MedGen C0878544, MONDO:0004994, HP:0001638. Inheritance: Various modes of inheritance.
Catecholaminergic polymorphic ventricular tachycardia 1. Also called: VENTRICULAR TACHYCARDIA, CATECHOLAMINERGIC POLYMORPHIC, 1, WITH OR WITHOUT ATRIAL DYSFUNCTION AND/OR DILATED CARDIOMYOPATHY; VENTRICULAR TACHYCARDIA, STRESS-INDUCED POLYMORPHIC 1; RYR2-Related Catecholaminergic Polymorphic Ventricular Tachycardia. Identifiers: Orphanet 3286, MedGen C1631597, MONDO:0011484, OMIM 604772.

Allele frequency attached by ClinVar (database versions not stated): gnomAD exomes below 0.00001; gnomAD 0.00001; TOPMed 0.00001.
gnomAD v4.1: 10 of 1,613,192 alleles (0.00062%); highest among the groups gnomAD compares: East Asian, 0.0022%; no homozygotes.

Submissions (4):

Labcorp Genetics (formerly Invitae), Labcorp
Classification: Likely benign for Catecholaminergic polymorphic ventricular tachycardia 1. Last evaluated: 2025-10-26. Review status: criteria provided, single submitter. Criteria: Invitae Variant Classification Sherloc (09022015). Collection method: clinical testing. Allele origin: germline.

Blueprint Genetics
Classification: Uncertain significance. Last evaluated: 2024-11-12. Review status: criteria provided, single submitter. Criteria: ACMG Guidelines, 2015. Collection method: clinical testing. Allele origin: germline.

Color Diagnostics, LLC DBA Color Health
Classification: Uncertain significance for Cardiomyopathy. Last evaluated: 2024-03-06. Review status: criteria provided, single submitter. Criteria: ACMG Guidelines, 2015. Collection method: clinical testing. Allele origin: germline.
Comment: This variant is located in the RYR2 protein. Computational prediction suggests that this variant may not impact protein structure and function (internally defined REVEL score threshold <= 0.5, PMID: 27666373). To our knowledge, functional studies have not been reported for this variant. This variant has not been reported in individuals affected with cardiovascular disorders in the literature. This variant has been identified in 1/247702 chromosomes in the general population by the Genome Aggregation Database (gnomAD). The available evidence is insufficient to determine the role of this variant in disease conclusively. Therefore, this variant is classified as a Variant of Uncertain Significance.

GeneDx
Classification: Uncertain significance. Last evaluated: 2012-06-04. Review status: criteria provided, single submitter. Criteria: GeneDx Variant Classification (06012015). Collection method: clinical testing. Allele origin: germline. Affected: yes.
Comment: p.Val1594Ile (GTC>ATC): c.4780 G>A in exon 36 of the RYR2 gene (NM_001035.2). The Val1594Ile variant in the RYR2 gene has not been previously reported as a disease-causing mutation or as a benign polymorphism to our knowledge. Val1594Ile results in a conservative amino acid substitution of one non-polar residue for another at a position that is not well-conserved in other species. In addition, the Val1594Ile variant is not located in any of the RYR2 mutation hot spots and no mutations in nearby codons have been reported, indicating this region may be tolerant of change (Medeiros-Domingo A et al., 2009). However, the NHLBI ESP Exome Variant Server reports Val1594Ile was not observed in approximately 5000 samples from individuals of European and African American backgrounds indicating it is not a common, benign variant in these populations. Therefore, the clinical significance of the Val1594Ile variant in the RYR2 gene is currently unknown. The variant is found in ARVC panel(s).